The following is an entry in ClinVar:

ClinVar aggregate classification (germline): Uncertain significance (1 of 4 stars; one submission).

Submission:

Labcorp Genetics (formerly Invitae), Labcorp
Classification: Uncertain significance. Last evaluated: 2022-11-08. Review status: criteria provided, single submitter. Criteria: Invitae Variant Classification Sherloc (09022015). Collection method: clinical testing. Allele origin: germline.
Comment: Algorithms developed to predict the effect of sequence changes on RNA splicing suggest that this variant may disrupt the consensus splice site. In summary, the available evidence is currently insufficient to determine the role of this variant in disease. Therefore, it has been classified as a Variant of Uncertain Significance. This variant has not been reported in the literature in individuals affected with SLC25A19-related conditions. This variant is not present in population databases (gnomAD no frequency). This sequence change affects an acceptor splice site in intron 3 of the SLC25A19 gene. It is expected to disrupt RNA splicing. Variants that disrupt the donor or acceptor splice site typically lead to a loss of protein function (PMID: 16199547), however the current clinical and genetic evidence is not sufficient to establish whether loss-of-function variants in SLC25A19 cause disease.

Literature cited by the submitters: PubMed 16199547.

NM_001126121.2(SLC25A19):c.133-1G>T

Gene: SLC25A19 (solute carrier family 25 member 19; minus strand). Cytogenetic location: 17q25.1.
Variant type: single nucleotide variant.
Coding change: c.133-1G>T on transcript NM_001126121.2 (MANE Select); the canonical splice acceptor site of the intron before coding-DNA position 133, G replaced by T.
Molecular consequence: splice acceptor variant.
Genome position (GRCh38, 1-based): chr17:75,286,460, C>A on the plus strand (G>T on the coding strand, the complement: SLC25A19 is on the minus strand). VCF-style: chr17-75286460-C-A. GRCh37 (hg19) VCF-style: chr17-73282541-C-A.
Other names: c.133-1G>T (NM_001126122.2, NM_021734.5).
Identifiers: ClinVar variation 2005200 (VCV002005200.4), dbSNP rs2545205219, ClinGen allele CA401005468.
Genomic context (GRCh38, chr17:75,286,460, plus strand): 5'-CTGGAGGATGCCATGGTACTTTGCGCTGGGGTCACTGCGAGACAGGCGCTCATGCTGAAG[C>A]TAGGAATCAAAATAAAAAAGGTCAGGACAGTGGGGTGGGCTGGAATGTGAAGGGGAACTT-3'